The following is an entry in ClinVar:

NM_015634.4(KIFBP):c.1468G>A (p.Ala490Thr)

Gene: KIFBP (kinesin family binding protein; plus strand). Cytogenetic location: 10q22.1.
Variant type: single nucleotide variant.
Coding change: c.1468G>A on transcript NM_015634.4 (MANE Select); coding-DNA position 1468, G replaced by A.
Protein change: p.Ala490Thr; replaces alanine 490 with threonine.
Molecular consequence: missense variant.
Genome position (GRCh38, 1-based): chr10:69,016,018, G>A. VCF-style: chr10-69016018-G-A. GRCh37 (hg19) VCF-style: chr10-70775774-G-A.
Other names: c.1468G>A (NM_015634.3); short protein forms A490T.
Identifiers: ClinVar variation 2074970 (VCV002074970.5), dbSNP rs147288545, ClinGen allele CA5529906.

ClinVar aggregate classification (germline): Uncertain significance. Review status: criteria provided, multiple submitters, no conflicts (2 of 4 stars). 3 submissions from 3 submitters: Uncertain significance (3). Last evaluated 2025-06-12.

Allele frequency attached by ClinVar (database versions not stated): gnomAD exomes 0.00002; ExAC 0.00005; gnomAD 0.00027; ESP Exome Variant Server 0.00031; TOPMed 0.00032.
gnomAD v4.1: 71 of 1,614,006 alleles (0.0044%); highest among the groups gnomAD compares: African/African-American, 0.089%; no homozygotes.

Submissions (3):

Labcorp Genetics (formerly Invitae), Labcorp
Classification: Uncertain significance. Last evaluated: 2025-06-12. Review status: criteria provided, single submitter. Criteria: Invitae Variant Classification Sherloc (09022015). Collection method: clinical testing. Allele origin: germline.
Comment: This sequence change replaces alanine, which is neutral and non-polar, with threonine, which is neutral and polar, at codon 490 of the KIF1BP protein (p.Ala490Thr). This variant is present in population databases (rs147288545, gnomAD 0.07%). This variant has not been reported in the literature in individuals affected with KIF1BP-related conditions. ClinVar contains an entry for this variant (Variation ID: 2074970). An algorithm developed to predict the effect of missense changes on protein structure and function (PolyPhen-2) suggests that this variant is likely to be disruptive. In summary, the available evidence is currently insufficient to determine the role of this variant in disease. Therefore, it has been classified as a Variant of Uncertain Significance.

Ambry Genetics
Classification: Uncertain significance. Last evaluated: 2024-08-26. Review status: criteria provided, single submitter. Criteria: Ambry Variant Classification Scheme 2023. Collection method: clinical testing. Allele origin: germline.

GeneDx
Classification: Uncertain significance. Last evaluated: 2022-10-19. Review status: criteria provided, single submitter. Criteria: GeneDx Variant Classification Process June 2021. Collection method: clinical testing. Allele origin: germline. Affected: yes.
Comment: In silico analysis supports that this missense variant does not alter protein structure/function; Has not been previously published as pathogenic or benign to our knowledge